The following is an entry in ClinVar:

NM_000111.3(SLC26A3):c.2205+3A>G

Gene: SLC26A3 (solute carrier family 26 member 3; minus strand). Cytogenetic location: 7q22.3.
Variant type: single nucleotide variant.
Coding change: c.2205+3A>G on transcript NM_000111.3 (MANE Select); 3 bases into the intron after coding-DNA position 2205, A replaced by G.
Molecular consequence: intron variant.
Genome position (GRCh38, 1-based): chr7:107,767,763, T>C on the plus strand (A>G on the coding strand, the complement: SLC26A3 is on the minus strand). VCF-style: chr7-107767763-T-C. GRCh37 (hg19) VCF-style: chr7-107408208-T-C.
Identifiers: ClinVar variation 55993 (VCV000055993.2), dbSNP rs386833475, ClinGen allele CA144089.

ClinVar aggregate classification (germline): Likely pathogenic (0 of 4 stars; one submission).

Conditions:
Congenital secretory diarrhea, chloride type (DIAR1). Also called: DIARRHEA 1, SECRETORY CHLORIDE, CONGENITAL; CHLORIDORRHEA, CONGENITAL; CHLORIDE DIARRHEA, CONGENITAL, FINNISH TYPE. Identifiers: Orphanet 53689, MedGen C0267662, MONDO:0008964, OMIM 214700.

Allele frequency attached by ClinVar (database versions not stated): gnomAD exomes below 0.00001; TOPMed below 0.00001; ExAC 0.00001.
gnomAD v4.1: 2 of 1,613,842 alleles (0.00012%); highest among the groups gnomAD compares: South Asian, 0.0022%; no homozygotes.

Submission:

Juha Muilu Group; Institute for Molecular Medicine Finland (FIMM)
Classification: Likely pathogenic for Congenital secretory diarrhea, chloride type. Review status: no assertion criteria provided. Collection method: not provided. Allele origin: unknown.
Comment: FinDis database variant: This variant was not found or characterized by our laboratory, data were collected from public sources: see reference
ClinVar note: Converted during submission from probable-pathogenic to Likely pathogenic.